The following is an entry in ClinVar:

NM_153717.3(EVC):c.367A>G (p.Ile123Val)

Gene: EVC (EvC ciliary complex subunit 1; plus strand). Cytogenetic location: 4p16.2.
Variant type: single nucleotide variant.
Coding change: c.367A>G on transcript NM_153717.3 (MANE Select); coding-DNA position 367, A replaced by G.
Protein change: p.Ile123Val; replaces isoleucine 123 with valine.
Molecular consequence: missense variant.
Genome position (GRCh38, 1-based): chr4:5,729,373, A>G. VCF-style: chr4-5729373-A-G. GRCh37 (hg19) VCF-style: chr4-5731100-A-G.
Other names: c.367A>G, p.Ile123Val (NM_001306090.2, NM_001306092.2); short protein forms I123V.
Identifiers: ClinVar variation 2634745 (VCV002634745.1), dbSNP rs772569904, ClinGen allele CA2835656.

ClinVar aggregate classification (germline): Uncertain significance (1 of 4 stars; one submission).

Conditions:
EVC-related disorder. Also called: EVC-related condition; EVC-related disorders.

Allele frequency attached by ClinVar (database versions not stated): gnomAD 0.00001; ExAC 0.00002; gnomAD exomes 0.00002.
gnomAD v4.1: 32 of 1,613,936 alleles (0.002%); highest among the groups gnomAD compares: South Asian, 0.019%; no homozygotes.

Submission:

PreventionGenetics, part of Exact Sciences
Classification: Uncertain significance for EVC-related condition. Last evaluated: 2022-08-22. Review status: criteria provided, single submitter. Criteria: ACMG Guidelines, 2015. Collection method: clinical testing. Allele origin: germline.
Comment: The EVC c.367A>G variant is predicted to result in the amino acid substitution p.Ile123Val. To our knowledge, this variant has not been reported in the literature. This variant is reported in 0.013% of alleles in individuals of South Asian descent in gnomAD. At this time, the clinical significance of this variant is uncertain due to the absence of conclusive functional and genetic evidence.